The following is an entry in ClinVar:

ClinVar aggregate classification (germline): Uncertain significance (1 of 4 stars; one submission).

Conditions:
Parathyroid carcinoma (PRTC). Also called: CDC73-Related Parathyroid Carcinoma; Parathyroid gland carcinoma. Identifiers: Orphanet 143, MedGen C0687150, MONDO:0012004, OMIM 608266, HP:0006780.

Submission:

Labcorp Genetics (formerly Invitae), Labcorp
Classification: Uncertain significance for Parathyroid carcinoma. Last evaluated: 2023-06-27. Review status: criteria provided, single submitter. Criteria: Invitae Variant Classification Sherloc (09022015). Collection method: clinical testing. Allele origin: germline.
Comment: This sequence change replaces leucine, which is neutral and non-polar, with valine, which is neutral and non-polar, at codon 63 of the CDC73 protein (p.Leu63Val). This variant is not present in population databases (gnomAD no frequency). This variant has not been reported in the literature in individuals affected with CDC73-related conditions. Advanced modeling of protein sequence and biophysical properties (such as structural, functional, and spatial information, amino acid conservation, physicochemical variation, residue mobility, and thermodynamic stability) has been performed at Invitae for this missense variant, however the output from this modeling did not meet the statistical confidence thresholds required to predict the impact of this variant on CDC73 protein function. This variant disrupts the p.Leu63 amino acid residue in CDC73. Other variant(s) that disrupt this residue have been determined to be pathogenic (PMID: 18755853, 32761341; Invitae). This suggests that this residue is clinically significant, and that variants that disrupt this residue are likely to be disease-causing. In summary, the available evidence is currently insufficient to determine the role of this variant in disease. Therefore, it has been classified as a Variant of Uncertain Significance.

Literature cited by the submitters: PubMed 18755853; PubMed 32761341.

NM_024529.5(CDC73):c.187C>G (p.Leu63Val)

Gene: CDC73 (cell division cycle 73; plus strand). Cytogenetic location: 1q31.2.
Variant type: single nucleotide variant.
Coding change: c.187C>G on transcript NM_024529.5 (MANE Select); coding-DNA position 187, C replaced by G.
Protein change: p.Leu63Val; replaces leucine 63 with valine.
Molecular consequence: missense variant.
Genome position (GRCh38, 1-based): chr1:193,125,167, C>G. VCF-style: chr1-193125167-C-G. GRCh37 (hg19) VCF-style: chr1-193094297-C-G.
Other names: short protein forms L63V.
Identifiers: ClinVar variation 2730717 (VCV002730717.3), dbSNP rs779704449, ClinGen allele CA343973154.